The following is an entry in ClinVar:

NM_000257.4(MYH7):c.4036C>T (p.Gln1346Ter)

Gene: MYH7 (myosin heavy chain 7; minus strand). Cytogenetic location: 14q11.2.
Variant type: single nucleotide variant.
Coding change: c.4036C>T on transcript NM_000257.4 (MANE Select); coding-DNA position 4036, C replaced by T.
Protein change: p.Gln1346Ter; replaces glutamine 1346 with a stop codon.
Molecular consequence: nonsense.
Genome position (GRCh38, 1-based): chr14:23,418,343, G>A on the plus strand (C>T on the coding strand, the complement: MYH7 is on the minus strand). VCF-style: chr14-23418343-G-A. GRCh37 (hg19) VCF-style: chr14-23887552-G-A.
Other names: c.4036C>T, p.Gln1346Ter (NM_001407004.1); short protein forms Q1346*.
Identifiers: ClinVar variation 2736074 (VCV002736074.3), dbSNP rs730880787, ClinGen allele CA389041153.

ClinVar aggregate classification (germline): Uncertain significance (1 of 4 stars; one submission).

Conditions:
Hypertrophic cardiomyopathy. Also called: HYPERTROPHIC MYOCARDIOPATHY. Identifiers: Orphanet 217569, MedGen C0007194, MeSH D002312, MONDO:0005045, HP:0001639.

Submission:

Labcorp Genetics (formerly Invitae), Labcorp
Classification: Uncertain significance for Hypertrophic cardiomyopathy. Last evaluated: 2023-08-16. Review status: criteria provided, single submitter. Criteria: Invitae Variant Classification Sherloc (09022015). Collection method: clinical testing. Allele origin: germline.
Comment: In summary, the available evidence is currently insufficient to determine the role of this variant in disease. Therefore, it has been classified as a Variant of Uncertain Significance. This sequence change creates a premature translational stop signal (p.Gln1346*) in the MYH7 gene. It is expected to result in an absent or disrupted protein product. However, the current clinical and genetic evidence is not sufficient to establish whether loss-of-function variants in MYH7 cause disease. This variant is not present in population databases (gnomAD no frequency). This premature translational stop signal has been observed in individual(s) with dilated cardiomyopathy (PMID: 22555271).

Literature cited by the submitters: PubMed 22555271.